The following is an entry in ClinVar:

NM_004260.4(RECQL4):c.1522A>G (p.Lys508Glu)

Gene: RECQL4 (RecQ like helicase 4; minus strand). Cytogenetic location: 8q24.3.
Variant type: single nucleotide variant.
Coding change: c.1522A>G on transcript NM_004260.4 (MANE Select); coding-DNA position 1522, A replaced by G.
Protein change: p.Lys508Glu; replaces lysine 508 with glutamic acid.
Molecular consequence: missense variant. On other transcripts: non-coding transcript variant (3).
Genome position (GRCh38, 1-based): chr8:144,515,034, T>C on the plus strand (A>G on the coding strand, the complement: RECQL4 is on the minus strand). VCF-style: chr8-144515034-T-C. GRCh37 (hg19) VCF-style: chr8-145740418-T-C.
Other names: c.1426A>G, p.Lys476Glu (NM_001413017.1, NM_001413020.1); c.1522A>G, p.Lys508Glu (NM_001413018.1, NM_001413019.1, NM_001413033.1 and 1 more transcripts); c.451A>G, p.Lys151Glu (NM_001413021.1, NM_001413022.1, NM_001413023.1 and 7 more transcripts); c.1393A>G, p.Lys465Glu (NM_001413025.1); c.385A>G, p.Lys129Glu (NM_001413027.1, NM_001413030.1, NM_001413031.1 and 2 more transcripts); c.1171A>G, p.Lys391Glu (NM_001413029.1); c.1492A>G, p.Lys498Glu (NM_001413039.1); c.421A>G, p.Lys141Glu (NM_001413042.1); and 1 more; short protein forms K391E, K508E, K141E, K498E, K129E, K151E, K19E, K476E.
Identifiers: ClinVar variation 3788089 (VCV003788089.1).

ClinVar aggregate classification (germline): Uncertain significance (1 of 4 stars; one submission).

Conditions:
Inborn genetic diseases. Identifiers: MedGen C0950123, MeSH D030342.

Submission:

Ambry Genetics
Classification: Uncertain significance for Inborn genetic diseases. Last evaluated: 2025-03-10. Review status: criteria provided, single submitter. Criteria: Ambry Variant Classification Scheme 2023. Collection method: clinical testing. Allele origin: germline.
Comment: The p.K508E variant (also known as c.1522A>G), located in coding exon 9 of the RECQL4 gene, results from an A to G substitution at nucleotide position 1522. The lysine at codon 508 is replaced by glutamic acid, an amino acid with similar properties. This amino acid position is conserved. In addition, this alteration is predicted to be deleterious by in silico analysis. Based on the available evidence, the clinical significance of this variant remains unclear.